The following is an entry in ClinVar:

ClinVar aggregate classification (germline): Conflicting classifications of pathogenicity. Review status: criteria provided, conflicting classifications (1 of 4 stars). 4 submissions from 4 submitters: Likely pathogenic (1); Uncertain significance (2); Likely benign (1). Last evaluated 2025-11-01.

Conditions:
Inborn genetic diseases. Identifiers: MedGen C0950123, MeSH D030342.
Early-infantile DEE. Also called: Ohtahara syndrome; Early infantile epileptic encephalopathy with suppression bursts; Early infantile epileptic encephalopathy. Identifiers: Orphanet 1934, MedGen C0393706, MONDO:0800491.

Allele frequency attached by ClinVar (database versions not stated): ExAC 0.00001; gnomAD exomes 0.00002; TOPMed 0.00007; ESP Exome Variant Server 0.00008.
gnomAD v4.1: 23 of 1,614,024 alleles (0.0014%); highest among the groups gnomAD compares: Non-Finnish European, 0.0019%; no homozygotes.

Submissions (4):

CeGaT Center for Human Genetics Tuebingen
Classification: Uncertain significance. Last evaluated: 2025-11-01. Review status: criteria provided, single submitter. Criteria: CeGaT Center For Human Genetics Tuebingen Variant Classification Criteria Version 2. Collection method: clinical testing. Allele origin: germline. Affected: yes. Observed: 1 variant allele.

Labcorp Genetics (formerly Invitae), Labcorp
Classification: Likely pathogenic for Early-infantile DEE. Last evaluated: 2025-08-31. Review status: criteria provided, single submitter. Criteria: Invitae Variant Classification Sherloc (09022015). Collection method: clinical testing. Allele origin: germline.
Comment: This sequence change replaces arginine, which is basic and polar, with cysteine, which is neutral and slightly polar, at codon 1343 of the SPTAN1 protein (p.Arg1343Cys). This variant is present in population databases (rs138827421, gnomAD 0.004%). This missense change has been observed in individuals with developmental and epileptic encephalopathy (internal data). ClinVar contains an entry for this variant (Variation ID: 680347). Invitae Evidence Modeling of protein sequence and biophysical properties (such as structural, functional, and spatial information, amino acid conservation, physicochemical variation, residue mobility, and thermodynamic stability) has been performed for this missense variant. However, the output from this modeling did not meet the statistical confidence thresholds required to predict the impact of this variant on SPTAN1 protein function. This variant disrupts the p.Arg1343 amino acid residue in SPTAN1. Other variant(s) that disrupt this residue have been observed in individuals with SPTAN1-related conditions (internal data), which suggests that this may be a clinically significant amino acid residue. In summary, the currently available evidence indicates that the variant is pathogenic, but additional data are needed to prove that conclusively. Therefore, this variant has been classified as Likely Pathogenic.

Ambry Genetics
Classification: Uncertain significance for Inborn genetic diseases. Last evaluated: 2025-08-12. Review status: criteria provided, single submitter. Criteria: Ambry Variant Classification Scheme 2023. Collection method: clinical testing. Allele origin: germline.

GeneDx
Classification: Likely benign. Last evaluated: 2018-03-14. Review status: criteria provided, single submitter. Criteria: GeneDx Variant Classification (06012015). Collection method: clinical testing. Allele origin: germline. Affected: yes.
Comment: This variant is considered likely benign or benign based on one or more of the following criteria: it is a conservative change, it occurs at a poorly conserved position in the protein, it is predicted to be benign by multiple in silico algorithms, and/or has population frequency not consistent with disease.

NM_001130438.3(SPTAN1):c.4027C>T (p.Arg1343Cys)

Gene: SPTAN1 (spectrin alpha, non-erythrocytic 1; plus strand). Cytogenetic location: 9q34.11.
Variant type: single nucleotide variant.
Coding change: c.4027C>T on transcript NM_001130438.3 (MANE Select); coding-DNA position 4027, C replaced by T.
Protein change: p.Arg1343Cys; replaces arginine 1343 with cysteine.
Molecular consequence: missense variant.
Genome position (GRCh38, 1-based): chr9:128,605,458, C>T. VCF-style: chr9-128605458-C-T. GRCh37 (hg19) VCF-style: chr9-131367737-C-T.
Other names: c.3967C>T, p.Arg1323Cys (NM_001195532.2, NM_001363765.2); c.4027C>T, p.Arg1343Cys (NM_001363759.2, NM_003127.4); short protein forms R1323C, R1343C.
Identifiers: ClinVar variation 680347 (VCV000680347.16), dbSNP rs138827421, ClinGen allele CA5265091.